The following is an entry in ClinVar:

ClinVar aggregate classification (germline): Uncertain significance (1 of 4 stars; one submission).

Conditions:
Hereditary cancer-predisposing syndrome. Also called: Tumor predisposition; Hereditary Cancer Syndrome; Neoplastic Syndromes, Hereditary; Hereditary neoplastic syndrome. Identifiers: Orphanet 140162, MedGen C0027672, MeSH D009386, MONDO:0015356.

gnomAD v4.1: 1 of 1,603,398 alleles (0.000062%); highest among the groups gnomAD compares: Non-Finnish European, 0.000085%; no homozygotes.

Submission:

Ambry Genetics
Classification: Uncertain significance for Hereditary cancer-predisposing syndrome. Last evaluated: 2024-10-16. Review status: criteria provided, single submitter. Criteria: Ambry Variant Classification Scheme 2023. Collection method: clinical testing. Allele origin: germline.
Comment: The p.S8G variant (also known as c.22A>G), located in coding exon 1 of the CDKN2A gene, results from an A to G substitution at nucleotide position 22. The serine at codon 8 is replaced by glycine, an amino acid with similar properties. This amino acid position is conserved on limited sequence alignment. In addition, this alteration is predicted to be tolerated by in silico analysis. Since supporting evidence is limited at this time, the clinical significance of this alteration remains unclear.

NM_000077.5(CDKN2A):c.22A>G (p.Ser8Gly)

Gene: CDKN2A (cyclin dependent kinase inhibitor 2A; minus strand). Cytogenetic location: 9p21.3.
Variant type: single nucleotide variant.
Coding change: c.22A>G on transcript NM_000077.5; coding-DNA position 22, A replaced by G.
Protein change: p.Ser8Gly; replaces serine 8 with glycine.
Molecular consequence: missense variant (on NM_000077.6). On other transcripts: intron variant (2).
Genome position (GRCh38, 1-based): chr9:21,974,806, T>C on the plus strand (A>G on the coding strand, the complement: CDKN2A is on the minus strand). VCF-style: chr9-21974806-T-C. GRCh37 (hg19) VCF-style: chr9-21974805-T-C.
Other names: c.22A>G, p.Ser8Gly (NM_000077.6, NM_001195132.2, NM_058197.5); c.-3-3598A>G (NM_001363763.2); c.194-3598A>G (NM_058195.4); short protein forms S8G.
Identifiers: ClinVar variation 480814 (VCV000480814.6), dbSNP rs1554656665, ClinGen allele CA373086703.